The following is an entry in ClinVar:

ClinVar aggregate classification (germline): Uncertain significance (1 of 4 stars; one submission).

gnomAD v4.1: 1 of 1,614,182 alleles (0.000062%); highest among the groups gnomAD compares: Non-Finnish European, 0.000085%; no homozygotes.

Submission:

Ambry Genetics
Classification: Uncertain significance. Last evaluated: 2025-08-03. Review status: criteria provided, single submitter. Criteria: Ambry Variant Classification Scheme 2023. Collection method: clinical testing. Allele origin: germline.
Comment: The p.S843F variant (also known as c.2528C>T), located in coding exon 20 of the A2ML1 gene, results from a C to T substitution at nucleotide position 2528. The serine at codon 843 is replaced by phenylalanine, an amino acid with highly dissimilar properties. This amino acid position is conserved. In addition, this alteration is predicted to be tolerated by in silico analysis. Based on the available evidence, the clinical significance of this variant remains unclear.

NM_144670.6(A2ML1):c.2528C>T (p.Ser843Phe)

Gene: A2ML1 (alpha-2-macroglobulin like 1; plus strand). Cytogenetic location: 12p13.31.
Variant type: single nucleotide variant.
Coding change: c.2528C>T on transcript NM_144670.6 (MANE Select); coding-DNA position 2528, C replaced by T.
Protein change: p.Ser843Phe; replaces serine 843 with phenylalanine.
Molecular consequence: missense variant.
Genome position (GRCh38, 1-based): chr12:8,852,274, C>T. VCF-style: chr12-8852274-C-T. GRCh37 (hg19) VCF-style: chr12-9004870-C-T.
Other names: c.1055C>T, p.Ser352Phe (NM_001282424.3); short protein forms S352F, S843F.
Identifiers: ClinVar variation 4240569 (VCV004240569.1).